The following is an entry in ClinVar:

NM_000195.5(HPS1):c.1156-10_1170del

Gene: HPS1 (HPS1 biogenesis of lysosomal organelles complex 3 subunit 1; minus strand). Cytogenetic location: 10q24.2.
Variant type: Deletion.
Coding change: c.1156-10_1170del on transcript NM_000195.5 (MANE Select); 10 bases into the intron before coding-DNA position 1156 through coding-DNA position 1170, 25 bases deleted (TTACCCTCAGAGCCCCAGCGCGCCC).
Molecular consequence: splice acceptor variant.
Genome position (GRCh38, 1-based): chr10:98,425,706-98,425,730, GGGCGCGCTGGGGCTCTGAGGGTAA deleted on the plus strand (TTACCCTCAGAGCCCCAGCGCGCCC on the coding strand, the reverse complement: HPS1 is on the minus strand); deleting any 25 consecutive bases within chr10:98,425,706-98,425,734 gives the same sequence; the c. name uses the placement nearest the transcript's 3' end. VCF-style (leftmost placement, unchanged base first): chr10-98425705-GGGGCGCGCTGGGGCTCTGAGGGTAA-G. GRCh37 (hg19) VCF-style: chr10-100185462-GGGGCGCGCTGGGGCTCTGAGGGTAA-G.
Other names: c.787-10_801del (NM_001322483.2, NM_001322484.2); c.895-10_909del (NM_001322480.2, NM_001322481.2); c.1057-10_1071del (NM_001322478.2, NM_001322479.2); c.1156-10_1170del (NM_001322476.2, NM_001322477.2); c.688-10_702del (NM_001322485.2); c.796-10_810del (NM_001322482.2); c.184-10_198del (NM_001322489.2, NM_001311345.2, NM_001322487.2).
Identifiers: ClinVar variation 1474092 (VCV001474092.6), dbSNP rs2136154449, ClinGen allele CA2573146063.
Genomic context (GRCh38, chr10:98,425,705, plus strand): 5'-CCTTCAGCTTCTTCTCCAGCATGGAGAAGCCATCCATCAGCTGGGACAGAACCAGGGCCA[GGGGCGCGCTGGGGCTCTGAGGGTAA>G]GGGCCGAGAGGCGGGTGAACGGGGCTGCCCCTGGGGAAGACGTGCCAACCCTAAGCATCA-3'

ClinVar aggregate classification (germline): Likely pathogenic (1 of 4 stars; one submission).

Submission:

Labcorp Genetics (formerly Invitae), Labcorp
Classification: Likely pathogenic. Last evaluated: 2025-04-07. Review status: criteria provided, single submitter. Criteria: Invitae Variant Classification Sherloc (09022015). Collection method: clinical testing. Allele origin: germline.
Comment: This variant results in the deletion of part of exon 13 (1156-10_1170del ) of the HPS1 gene. It is expected to disrupt RNA splicing. Variants that disrupt the donor or acceptor splice site typically lead to a loss of protein function (PMID: 16199547), and loss-of-function variants in HPS1 are known to be pathogenic (PMID: 12442288, 16185271). This variant is not present in population databases (gnomAD no frequency). This variant has not been reported in the literature in individuals affected with HPS1-related conditions. ClinVar contains an entry for this variant (Variation ID: 1474092). In summary, the currently available evidence indicates that the variant is pathogenic, but additional data are needed to prove that conclusively. Therefore, this variant has been classified as Likely Pathogenic.

Literature cited by the submitters: PubMed 16199547; PubMed 12442288; PubMed 16185271.